The following is an entry in ClinVar:

NM_001080414.4(CCDC88C):c.5829G>A (p.Ala1943=)

Gene: CCDC88C (coiled-coil and HOOK domain protein 88C; minus strand). Cytogenetic location: 14q32.11.
Variant type: single nucleotide variant.
Coding change: c.5829G>A on transcript NM_001080414.4 (MANE Select); coding-DNA position 5829, G replaced by A.
Protein change: p.Ala1943=; no amino-acid change (alanine 1943 retained).
Molecular consequence: synonymous variant.
Genome position (GRCh38, 1-based): chr14:91,272,883, C>T on the plus strand (G>A on the coding strand, the complement: CCDC88C is on the minus strand). VCF-style: chr14-91272883-C-T. GRCh37 (hg19) VCF-style: chr14-91739227-C-T.
Other names: c.5829G>A (NM_001080414.3).
Identifiers: ClinVar variation 2051045 (VCV002051045.6), dbSNP rs375271984, ClinGen allele CA7308578.
Genomic context (GRCh38, chr14:91,272,883, plus strand): 5'-TGAGAGGCTGAGCCCTGCCCGGACAGGGGTGATGGTGGCCACCTCCCCTGAGCGTGGGGG[C>T]GCCTTGGGCTTGGTCCTGGCAGCCGGGGCTGCAGCAGGTGAGAAGTGCAGGAGCTGGGAG-3'
Protein context (NP_001073883.2, residues 1933-1953): AAPAARTKPK[Ala1943=]PPRSGEVATI

ClinVar aggregate classification (germline): Likely benign. Review status: criteria provided, multiple submitters, no conflicts (2 of 4 stars). 3 submissions from 3 submitters: Likely benign (3). Last evaluated 2026-01-20.

Conditions:
CCDC88C-related disorder. Also called: CCDC88C-Related Disorders; CCDC88C-related condition.

Allele frequency attached by ClinVar (database versions not stated): 1000 Genomes Project 30x 0.00031; 1000 Genomes Project 0.00040; ESP Exome Variant Server 0.00049.
gnomAD v4.1: 920 of 1,588,038 alleles (0.058%); highest among the groups gnomAD compares: African/African-American, 0.14%; 2 homozygotes.

Submissions (3):

Labcorp Genetics (formerly Invitae), Labcorp
Classification: Likely benign. Last evaluated: 2026-01-20. Review status: criteria provided, single submitter. Criteria: Invitae Variant Classification Sherloc (09022015). Collection method: clinical testing. Allele origin: germline.

PreventionGenetics, part of Exact Sciences
Classification: Likely benign for CCDC88C-related condition. Last evaluated: 2025-08-12. Review status: criteria provided, single submitter. Criteria: ACMG Guidelines, 2015. Collection method: clinical testing. Allele origin: germline.
Comment: This variant is classified as likely benign based on ACMG/AMP sequence variant interpretation guidelines (Richards et al. 2015 PMID: 25741868, with internal and published modifications).

Blueprint Genetics
Classification: Likely benign. Last evaluated: 2024-11-25. Review status: criteria provided, single submitter. Criteria: ACMG Guidelines, 2015. Collection method: clinical testing. Allele origin: germline.